The following is an entry in ClinVar:

NM_001377540.1(SLMAP):c.1084G>T (p.Ala362Ser)

Gene: SLMAP (sarcolemma associated protein; plus strand). Cytogenetic location: 3p14.3.
Variant type: single nucleotide variant.
Coding change: c.1084G>T on transcript NM_001377540.1 (MANE Select); coding-DNA position 1084, G replaced by T.
Protein change: p.Ala362Ser; replaces alanine 362 with serine.
Molecular consequence: missense variant. On other transcripts: non-coding transcript variant (1).
Genome position (GRCh38, 1-based): chr3:57,864,665, G>T. VCF-style: chr3-57864665-G-T. GRCh37 (hg19) VCF-style: chr3-57850392-G-T.
Other names: c.1084G>T, p.Ala362Ser (NM_001304420.3, NM_001304421.2, NM_001377538.1 and 17 more transcripts); short protein forms A362S.
Identifiers: ClinVar variation 2415780 (VCV002415780.6), dbSNP rs2473552506, ClinGen allele CA353409421.
Genomic context (GRCh38, chr3:57,864,665, plus strand): 5'-TTACAACATAAAATAGATGAAATGGAAGAAAAAGAACAGGAGCTCCAGGCAAAAATAGAA[G>T]CTTTGCAAGCTGATAATGATTTCACCAATGAAAGGCTAACAGCTTTACAAGGTAAGTAGC-3'
Protein context (NP_001364469.1, residues 352-372): KEQELQAKIE[Ala362Ser]LQADNDFTNE

ClinVar aggregate classification (germline): Uncertain significance (1 of 4 stars; one submission).

Conditions:
Brugada syndrome. Also called: Sudden unexpected nocturnal death syndrome; Sudden Unexplained Death Syndrome; Sudden Unexplained Nocturnal Death Syndrome (SUNDS); Sudden unexplained nocturnal death syndrome. Identifiers: Orphanet 130, MedGen C1142166, MONDO:0015263.

Allele frequency attached by ClinVar (database versions not stated): gnomAD exomes below 0.00001.
gnomAD v4.1: 1 of 1,597,232 alleles (0.000063%); highest among the groups gnomAD compares: East Asian, 0.0022%; no homozygotes.

Submission:

Labcorp Genetics (formerly Invitae), Labcorp
Classification: Uncertain significance for Brugada syndrome. Last evaluated: 2021-12-02. Review status: criteria provided, single submitter. Criteria: Invitae Variant Classification Sherloc (09022015). Collection method: clinical testing. Allele origin: germline.
Comment: This sequence change replaces alanine, which is neutral and non-polar, with serine, which is neutral and polar, at codon 362 of the SLMAP protein (p.Ala362Ser). This variant is not present in population databases (gnomAD no frequency). This variant has not been reported in the literature in individuals affected with SLMAP-related conditions. Algorithms developed to predict the effect of missense changes on protein structure and function (SIFT, PolyPhen-2, Align-GVGD) all suggest that this variant is likely to be tolerated. In summary, the available evidence is currently insufficient to determine the role of this variant in disease. Therefore, it has been classified as a Variant of Uncertain Significance.